The following is an entry in ClinVar:

NM_004484.4(GPC3):c.592C>T (p.Leu198Phe)

Gene: GPC3 (glypican 3; minus strand). Cytogenetic location: Xq26.2.
Variant type: single nucleotide variant.
Coding change: c.592C>T on transcript NM_004484.4 (MANE Select); coding-DNA position 592, C replaced by T.
Protein change: p.Leu198Phe; replaces leucine 198 with phenylalanine.
Molecular consequence: missense variant.
Genome position (GRCh38, 1-based): chrX:133,753,922, G>A on the plus strand (C>T on the coding strand, the complement: GPC3 is on the minus strand). VCF-style: chrX-133753922-G-A. GRCh37 (hg19) VCF-style: chrX-132887949-G-A.
Other names: c.592C>T, p.Leu198Phe (NM_001164617.2); c.544C>T, p.Leu182Phe (NM_001164618.2); c.430C>T, p.Leu144Phe (NM_001164619.2); short protein forms L182F, L144F, L198F.
Identifiers: ClinVar variation 1361729 (VCV001361729.8), dbSNP rs2124480498, ClinGen allele CA414706280.

ClinVar aggregate classification (germline): Uncertain significance (1 of 4 stars; one submission).

Conditions:
Wilms tumor 1 (WT1). Also called: Wilms tumor, somatic. Identifiers: Orphanet 654, MedGen CN033288, MONDO:0008679, OMIM 194070.

Submission:

Labcorp Genetics (formerly Invitae), Labcorp
Classification: Uncertain significance for Wilms tumor 1. Last evaluated: 2021-06-16. Review status: criteria provided, single submitter. Criteria: Invitae Variant Classification Sherloc (09022015). Collection method: clinical testing. Allele origin: germline.
Comment: In summary, the available evidence is currently insufficient to determine the role of this variant in disease. Therefore, it has been classified as a Variant of Uncertain Significance. Algorithms developed to predict the effect of missense changes on protein structure and function are either unavailable or do not agree on the potential impact of this missense change (SIFT: "Deleterious"; PolyPhen-2: "Probably Damaging"; Align-GVGD: "Class C0"). This variant has not been reported in the literature in individuals with GPC3-related conditions. This variant is not present in population databases (ExAC no frequency). This sequence change replaces leucine with phenylalanine at codon 198 of the GPC3 protein (p.Leu198Phe). The leucine residue is highly conserved and there is a small physicochemical difference between leucine and phenylalanine.